The following is an entry in ClinVar:

NM_007192.4(SUPT16H):c.512C>T (p.Thr171Ile)

Gene: SUPT16H (SPT16 homolog, facilitates chromatin remodeling subunit; minus strand). Cytogenetic location: 14q11.2.
Variant type: single nucleotide variant.
Coding change: c.512C>T on transcript NM_007192.4 (MANE Select); coding-DNA position 512, C replaced by T.
Protein change: p.Thr171Ile; replaces threonine 171 with isoleucine.
Molecular consequence: missense variant.
Genome position (GRCh38, 1-based): chr14:21,369,868, G>A on the plus strand (C>T on the coding strand, the complement: SUPT16H is on the minus strand). VCF-style: chr14-21369868-G-A. GRCh37 (hg19) VCF-style: chr14-21838027-G-A.
Other names: short protein forms T171I.
Identifiers: ClinVar variation 4540024 (VCV004540024.2).

ClinVar aggregate classification (germline): Uncertain significance (1 of 4 stars; one submission).

gnomAD v4.1: 1 of 1,614,140 alleles (0.000062%); highest among the groups gnomAD compares: Non-Finnish European, 0.000085%; no homozygotes.

Submission:

GeneDx
Classification: Uncertain significance. Last evaluated: 2026-02-18. Review status: criteria provided, single submitter. Criteria: GeneDx Variant Classification Process June 2021. Collection method: clinical testing. Allele origin: germline.
Comment: Published functional studies suggest a damaging effect with this variant resulting in a partial loss of function of SUPTH16H (PMID: 36255738); In silico analysis suggests that this missense variant does not alter protein structure/function; This variant is associated with the following publications: (PMID: 36255738, 41556401)